The following is an entry in ClinVar:

ClinVar aggregate classification (germline): Uncertain significance (1 of 4 stars; one submission).

Conditions:
Baller-Gerold syndrome (BGS). Also called: CRANIOSYNOSTOSIS WITH RADIAL DEFECTS. Identifiers: Orphanet 1225, MedGen C0265308, MONDO:0009039, OMIM 218600.

Allele frequency attached by ClinVar (database versions not stated): gnomAD 0.00002; gnomAD exomes 0.00002; TOPMed 0.00001.

Submission:

Labcorp Genetics (formerly Invitae), Labcorp
Classification: Uncertain significance for Baller-Gerold syndrome. Last evaluated: 2025-05-08. Review status: criteria provided, single submitter. Criteria: Invitae Variant Classification Sherloc (09022015). Collection method: clinical testing. Allele origin: germline.
Comment: This sequence change replaces threonine, which is neutral and polar, with serine, which is neutral and polar, at codon 941 of the RECQL4 protein (p.Thr941Ser). This variant is not present in population databases (gnomAD no frequency). This variant has not been reported in the literature in individuals affected with RECQL4-related conditions. ClinVar contains an entry for this variant (Variation ID: 406938). Invitae Evidence Modeling of protein sequence and biophysical properties (such as structural, functional, and spatial information, amino acid conservation, physicochemical variation, residue mobility, and thermodynamic stability) indicates that this missense variant is not expected to disrupt RECQL4 protein function with a negative predictive value of 80%. In summary, the available evidence is currently insufficient to determine the role of this variant in disease. Therefore, it has been classified as a Variant of Uncertain Significance.

NM_004260.4(RECQL4):c.2822C>G (p.Thr941Ser)

Gene: RECQL4 (RecQ like helicase 4; minus strand). Cytogenetic location: 8q24.3.
Variant type: single nucleotide variant.
Coding change: c.2822C>G on transcript NM_004260.4 (MANE Select); coding-DNA position 2822, C replaced by G.
Protein change: p.Thr941Ser; replaces threonine 941 with serine.
Molecular consequence: missense variant.
Genome position (GRCh38, 1-based): chr8:144,512,705, G>C on the plus strand (C>G on the coding strand, the complement: RECQL4 is on the minus strand). VCF-style: chr8-144512705-G-C. GRCh37 (hg19) VCF-style: chr8-145738088-G-C.
Other names: short protein forms T941S.
Identifiers: ClinVar variation 406938 (VCV000406938.9), dbSNP rs1060501368, ClinGen allele CA16612502.